The following is an entry in ClinVar:

ClinVar aggregate classification (germline): Uncertain significance. Review status: criteria provided, multiple submitters, no conflicts (2 of 4 stars). 2 submissions from 2 submitters: Uncertain significance (2). Last evaluated 2025-10-24.

Conditions:
Inborn genetic diseases. Identifiers: MedGen C0950123, MeSH D030342.

Allele frequency attached by ClinVar (database versions not stated): gnomAD exomes 0.00001; ExAC 0.00001; TOPMed 0.00001.
gnomAD v4.1: 3 of 1,614,050 alleles (0.00019%); highest among the groups gnomAD compares: Admixed American, 0.005%; no homozygotes.

Submissions (2):

Ambry Genetics
Classification: Uncertain significance for Inborn genetic diseases. Last evaluated: 2025-10-24. Review status: criteria provided, single submitter. Criteria: Ambry Variant Classification Scheme 2023. Collection method: clinical testing. Allele origin: germline.

Labcorp Genetics (formerly Invitae), Labcorp
Classification: Uncertain significance. Last evaluated: 2022-08-22. Review status: criteria provided, single submitter. Criteria: Invitae Variant Classification Sherloc (09022015). Collection method: clinical testing. Allele origin: germline.
Comment: This sequence change replaces threonine, which is neutral and polar, with isoleucine, which is neutral and non-polar, at codon 482 of the MTPAP protein (p.Thr482Ile). In summary, the available evidence is currently insufficient to determine the role of this variant in disease. Therefore, it has been classified as a Variant of Uncertain Significance. Algorithms developed to predict the effect of missense changes on protein structure and function output the following: SIFT: "Tolerated"; PolyPhen-2: "Benign"; Align-GVGD: "Class C0". The isoleucine amino acid residue is found in multiple mammalian species, which suggests that this missense change does not adversely affect protein function. ClinVar contains an entry for this variant (Variation ID: 1355851). This variant has not been reported in the literature in individuals affected with MTPAP-related conditions. This variant is present in population databases (rs747625805, gnomAD 0.009%).

NM_018109.4(MTPAP):c.1445C>T (p.Thr482Ile)

Gene: MTPAP (mitochondrial poly(A) polymerase; minus strand). Cytogenetic location: 10p11.23.
Variant type: single nucleotide variant.
Coding change: c.1445C>T on transcript NM_018109.4 (MANE Select); coding-DNA position 1445, C replaced by T.
Protein change: p.Thr482Ile; replaces threonine 482 with isoleucine.
Molecular consequence: missense variant.
Genome position (GRCh38, 1-based): chr10:30,313,913, G>A on the plus strand (C>T on the coding strand, the complement: MTPAP is on the minus strand). VCF-style: chr10-30313913-G-A. GRCh37 (hg19) VCF-style: chr10-30602842-G-A.
Other names: c.1445C>T (NM_018109.3); short protein forms T482I.
Identifiers: ClinVar variation 1355851 (VCV001355851.6), dbSNP rs747625805, ClinGen allele CA5458942.